The following is an entry in ClinVar:

NM_001160148.2(DDHD1):c.721A>C (p.Thr241Pro)

Gene: DDHD1 (DDHD domain containing 1; minus strand). Cytogenetic location: 14q22.1.
Variant type: single nucleotide variant.
Coding change: c.721A>C on transcript NM_001160148.2 (MANE Select); coding-DNA position 721, A replaced by C.
Protein change: p.Thr241Pro; replaces threonine 241 with proline.
Molecular consequence: missense variant.
Genome position (GRCh38, 1-based): chr14:53,152,378, T>G on the plus strand (A>C on the coding strand, the complement: DDHD1 is on the minus strand). VCF-style: chr14-53152378-T-G. GRCh37 (hg19) VCF-style: chr14-53619096-T-G.
Other names: c.721A>C, p.Thr241Pro (NM_001160147.2, NM_030637.3); short protein forms T241P.
Identifiers: ClinVar variation 2149704 (VCV002149704.4), dbSNP rs1186603552, ClinGen allele CA389779666.

ClinVar aggregate classification (germline): Uncertain significance (1 of 4 stars; one submission).

Conditions:
Hereditary spastic paraplegia 28. Also called: Spastic paraplegia 28, autosomal recessive. Identifiers: Orphanet 101008, MedGen C1836295, MONDO:0012256, OMIM 609340.

Allele frequency attached by ClinVar (database versions not stated): gnomAD exomes below 0.00001; gnomAD 0.00001; TOPMed 0.00001.
gnomAD v4.1: 3 of 1,613,706 alleles (0.00019%); highest among the groups gnomAD compares: Non-Finnish European, 0.00025%; no homozygotes.

Submission:

Labcorp Genetics (formerly Invitae), Labcorp
Classification: Uncertain significance for Hereditary spastic paraplegia 28. Last evaluated: 2022-02-28. Review status: criteria provided, single submitter. Criteria: Invitae Variant Classification Sherloc (09022015). Collection method: clinical testing. Allele origin: germline.
Comment: This variant has not been reported in the literature in individuals affected with DDHD1-related conditions. This variant is not present in population databases (gnomAD no frequency). This sequence change replaces threonine, which is neutral and polar, with proline, which is neutral and non-polar, at codon 241 of the DDHD1 protein (p.Thr241Pro). Algorithms developed to predict the effect of missense changes on protein structure and function (SIFT, PolyPhen-2, Align-GVGD) all suggest that this variant is likely to be tolerated. In summary, the available evidence is currently insufficient to determine the role of this variant in disease. Therefore, it has been classified as a Variant of Uncertain Significance.